The following is an entry in ClinVar:

NM_138694.4(PKHD1):c.6603del (p.Lys2202fs)

Gene: PKHD1 (PKHD1 ciliary IPT domain containing fibrocystin/polyductin; minus strand). Cytogenetic location: 6p12.2.
Variant type: Deletion.
Coding change: c.6603del on transcript NM_138694.4 (MANE Select); coding-DNA position 6603, one base deleted (G; older notation c.6603delG).
Protein change: p.Lys2202fs; shifts the reading frame from lysine 2202.
Molecular consequence: frameshift variant.
Genome position (GRCh38, 1-based): chr6:51,909,362, C deleted on the plus strand (G on the coding strand, the reverse complement: PKHD1 is on the minus strand). VCF-style (leftmost placement, unchanged base first): chr6-51909361-TC-T. GRCh37 (hg19) VCF-style: chr6-51774159-TC-T.
Other names: c.6603del, p.Lys2202fs (NM_170724.3); short protein forms K2202fs.
Identifiers: ClinVar variation 1724864 (VCV001724864.2), dbSNP rs763480901, ClinGen allele CA3852223.

ClinVar aggregate classification (germline): Likely pathogenic (1 of 4 stars; one submission).

Conditions:
Polycystic kidney disease 4 (PKD4). Also called: POLYCYSTIC KIDNEY AND HEPATIC DISEASE 1; POLYCYSTIC KIDNEY DISEASE, INFANTILE, TYPE I; POLYCYSTIC KIDNEY DISEASE 4 WITH OR WITHOUT POLYCYSTIC LIVER DISEASE; PKD3; Autosomal Recessive Polycystic Kidney Disease – PKHD1. Identifiers: MedGen C4540575, MONDO:0033004, OMIM 263200.

Allele frequency attached by ClinVar (database versions not stated): gnomAD exomes below 0.00001; ExAC 0.00001.

Submission:

Myriad Genetics, Inc.
Classification: Likely pathogenic for Polycystic kidney disease 4. Last evaluated: 2021-11-23. Review status: criteria provided, single submitter. Criteria: Myriad Women's Health Autosomal Recessive and X-Linked Classification Criteria (2021). Collection method: clinical testing. Allele origin: unknown.
Comment: NM_138694.3(PKHD1):c.6603delG(K2202Rfs*16) is expected to be pathogenic in the context of autosomal recessive polycystic kidney disease, PKHD1-related. This variant is predicted to lead to an abnormal or absent protein product due to the creation of a premature termination codon in PKHD1, a gene where loss-of-function variants are known to be pathogenic. Please note: this variant was assessed in the context of healthy population screening.